The following is an entry in ClinVar:

NM_004336.5(BUB1):c.2896T>C (p.Cys966Arg)

Gene: BUB1 (BUB1 mitotic checkpoint serine/threonine kinase; minus strand). Cytogenetic location: 2q13.
Variant type: single nucleotide variant.
Coding change: c.2896T>C on transcript NM_004336.5 (MANE Select); coding-DNA position 2896, T replaced by C.
Protein change: p.Cys966Arg; replaces cysteine 966 with arginine.
Molecular consequence: missense variant.
Genome position (GRCh38, 1-based): chr2:110,641,093, A>G on the plus strand (T>C on the coding strand, the complement: BUB1 is on the minus strand). VCF-style: chr2-110641093-A-G. GRCh37 (hg19) VCF-style: chr2-111398670-A-G.
Other names: c.2836T>C, p.Cys946Arg (NM_001278616.2); c.2725T>C, p.Cys909Arg (NM_001278617.2); short protein forms C909R, C966R, C946R.
Identifiers: ClinVar variation 2446978 (VCV002446978.2), dbSNP rs1396748473, ClinGen allele CA348089060.

ClinVar aggregate classification (germline): Uncertain significance (1 of 4 stars; one submission).

Allele frequency attached by ClinVar (database versions not stated): gnomAD exomes below 0.00001.
gnomAD v4.1: 4 of 1,613,056 alleles (0.00025%); highest among the groups gnomAD compares: Admixed American, 0.0017%; no homozygotes.

Submission:

Ambry Genetics
Classification: Uncertain significance. Last evaluated: 2022-12-16. Review status: criteria provided, single submitter. Criteria: Ambry Variant Classification Scheme 2023. Collection method: clinical testing. Allele origin: germline.
Comment: The p.C966R variant (also known as c.2896T>C), located in coding exon 23 of the BUB1 gene, results from a T to C substitution at nucleotide position 2896. The cysteine at codon 966 is replaced by arginine, an amino acid with highly dissimilar properties. This amino acid position is conserved. In addition, this alteration is predicted to be deleterious by in silico analysis. Since supporting evidence is limited at this time, the clinical significance of this alteration remains unclear.